The following is an entry in ClinVar:

NC_000013.11:g.32315487G>T

Genes: BRCA2 (BRCA2 DNA repair associated; plus strand), LOC106721785 (BRCA2 promoter/silencer region; plus strand). Cytogenetic location: 13q13.1.
Variant type: single nucleotide variant.
Molecular consequence: intron variant (on NM_001432077.1).
Genome position: GRCh38 VCF-style: chr13-32315487-G-T. GRCh37 (hg19) VCF-style: chr13-32889624-G-T.
Other names: c.-220G>T (NM_000059.3); c.-40+342G>T (NM_001432077.1).
Identifiers: ClinVar variation 882070 (VCV000882070.39), dbSNP rs1036870835, ClinGen allele CA247478018.

ClinVar aggregate classification (germline): Conflicting classifications of pathogenicity. Review status: criteria provided, conflicting classifications (1 of 4 stars). 5 submissions from 4 submitters: Uncertain significance (2); Likely benign (3). Last evaluated 2022-10-01.

Conditions:
Hereditary breast ovarian cancer syndrome. Also called: BRCA1- and BRCA2-Associated Hereditary Breast and Ovarian Cancer; Hereditary breast and ovarian cancer; Hereditary breast and ovarian cancer syndrome (HBOC); Breast and ovarian cancer; Hereditary breast and/or ovarian cancer syndrome; Hereditary breast and ovarian cancer syndrome. Identifiers: Orphanet 145, MedGen C0677776, MeSH D061325, MONDO:0003582. Disease mechanism: loss of function.
Hereditary cancer-predisposing syndrome. Also called: Tumor predisposition; Neoplastic Syndromes, Hereditary; Hereditary Cancer Syndrome; Hereditary neoplastic syndrome. Identifiers: Orphanet 140162, MedGen C0027672, MeSH D009386, MONDO:0015356.
Breast-ovarian cancer, familial, susceptibility to, 2 (BROVCA2). Also called: BRCA2 Hereditary Breast and Ovarian Cancer. Identifiers: Orphanet 145, MedGen C2675520, MONDO:0012933, OMIM 612555. Disease mechanism: loss of function.
Fanconi anemia complementation group D1. Also called: BRCA2-Related Fanconi Anemia. Identifiers: Orphanet 319462, MedGen C1838457, MONDO:0011584, OMIM 605724.

Allele frequency attached by ClinVar (database versions not stated): TOPMed 0.00003.
gnomAD v4.1: 6 of 152,270 alleles (0.0039%); highest among the groups gnomAD compares: Admixed American, 0.02%; no homozygotes.

Submissions (5):

CeGaT Center for Human Genetics Tuebingen
Classification: Likely benign. Last evaluated: 2022-10-01. Review status: criteria provided, single submitter. Criteria: CeGaT Center For Human Genetics Tuebingen Variant Classification Criteria Version 2. Collection method: clinical testing. Allele origin: germline. Affected: yes. Observed: 1 variant allele.
Comment: BRCA2: BP4

Labcorp Genetics (formerly Invitae), Labcorp
Classification: Likely benign for Hereditary breast ovarian cancer syndrome. Last evaluated: 2022-04-29. Review status: criteria provided, single submitter. Criteria: Invitae Variant Classification Sherloc (09022015). Collection method: clinical testing. Allele origin: germline.

Sema4
Classification: Likely benign for Hereditary cancer-predisposing syndrome. Last evaluated: 2020-08-18. Review status: criteria provided, single submitter. Criteria: Sema4 Curation Guidelines. Collection method: curation. Allele origin: germline.

Illumina Laboratory Services, Illumina
Classification: Uncertain significance for Fanconi anemia complementation group D1. Last evaluated: 2018-01-13. Review status: criteria provided, single submitter. Criteria: ICSL Variant Classification Criteria 13 December 2019. Collection method: clinical testing. Allele origin: germline.

Illumina Laboratory Services, Illumina
Classification: Uncertain significance for Breast-ovarian cancer, familial, susceptibility to, 2. Last evaluated: 2018-01-13. Review status: criteria provided, single submitter. Criteria: ICSL Variant Classification Criteria 13 December 2019. Collection method: clinical testing. Allele origin: germline.